The following is an entry in ClinVar:

ClinVar aggregate classification (germline): Uncertain significance (1 of 4 stars; one submission).

Conditions:
GABRG2-related disorder. Also called: GABRG2-related condition.

Submission:

3billion
Classification: Uncertain significance for GABRG2-related disorder. Last evaluated: 2024-06-19. Review status: criteria provided, single submitter. Criteria: ACMG Guidelines, 2015. Collection method: clinical testing. Allele origin: germline. Affected: yes.
Comment: The variant is not observed in the gnomAD v4.0.0 dataset. Predicted Consequence/Location: Missense variant In silico tool predictions suggest damaging effect of the variant on gene or gene product [REVEL: 0.85 (>=0.6, sensitivity 0.68 and specificity 0.92)]. Therefore, this variant is classified as VUS according to the recommendation of ACMG/AMP guideline.

NM_198904.4(GABRG2):c.449C>T (p.Thr150Ile)

Gene: GABRG2 (gamma-aminobutyric acid type A receptor subunit gamma2; plus strand). Cytogenetic location: 5q34.
Variant type: single nucleotide variant.
Coding change: c.449C>T on transcript NM_198904.4 (MANE Select); coding-DNA position 449, C replaced by T.
Protein change: p.Thr150Ile; replaces threonine 150 with isoleucine.
Molecular consequence: missense variant.
Genome position (GRCh38, 1-based): chr5:162,097,759, C>T. VCF-style: chr5-162097759-C-T. GRCh37 (hg19) VCF-style: chr5-161524765-C-T.
Other names: c.449C>T, p.Thr150Ile (NM_000816.3, NM_001375340.1, NM_001375341.1 and 4 more transcripts); c.440C>T, p.Thr147Ile (NM_001375339.1); c.383C>T, p.Thr128Ile (NM_001375345.1, NM_001375346.1); c.362C>T, p.Thr121Ile (NM_001375347.1); c.29C>T, p.Thr10Ile (NM_001375348.1, NM_001375350.1); c.164C>T, p.Thr55Ile (NM_001375349.1); short protein forms T10I, T121I, T128I, T147I, T150I, T55I.
Identifiers: ClinVar variation 4293361 (VCV004293361.1).
Genomic context (GRCh38, chr5:162,097,759, plus strand): 5'-GCACCATTAAAGTCCTCCGATTGAACAGCAACATGGTGGGGAAAATCTGGATTCCAGACA[C>T]TTTCTTCAGAAATTCCAAAAAAGCTGATGCACACTGGATCACCACCCCCAACAGGATGCT-3'
Protein context (NP_944494.1, residues 140-160): NMVGKIWIPD[Thr150Ile]FFRNSKKADA